The following is an entry in ClinVar:

NM_007294.4(BRCA1):c.3221G>C (p.Arg1074Thr)

Genes: BRCA1 (BRCA1 DNA repair associated; minus strand), LOC126862571 (BRD4-independent group 4 enhancer GRCh37_chr17:41243136-41244335; plus strand). Cytogenetic location: 17q21.31.
Variant type: single nucleotide variant.
Coding change: c.3221G>C on transcript NM_007294.4 (MANE Select); coding-DNA position 3221, G replaced by C.
Protein change: p.Arg1074Thr; replaces arginine 1074 with threonine.
Molecular consequence: missense variant. On other transcripts: intron variant (137).
Genome position (GRCh38, 1-based): chr17:43,092,310, C>G on the plus strand (G>C on the coding strand, the complement: BRCA1 is on the minus strand). VCF-style: chr17-43092310-C-G. GRCh37 (hg19) VCF-style: chr17-41244327-C-G.
Other names: c.2957G>C, p.Arg986Thr (NM_001407929.1, NM_001407933.1, NM_001407935.1 and 9 more transcripts); c.2954G>C, p.Arg985Thr (NM_001407930.1, NM_001407931.1, NM_001407932.1 and 2 more transcripts); c.3098G>C, p.Arg1033Thr (NM_001407937.1, NM_001407938.1, NM_001407863.1 and 19 more transcripts); c.2888G>C, p.Arg963Thr (NM_001407948.1, NM_001407949.1, NM_001407950.1 and 6 more transcripts); c.2885G>C, p.Arg962Thr (NM_001407954.1, NM_001407955.1, NM_001407956.1 and 1 more transcripts); c.3077G>C, p.Arg1026Thr (NM_001407740.1, NM_001407741.1, NM_001407742.1 and 20 more transcripts); c.3080G>C, p.Arg1027Thr (NM_001407750.1, NM_001407751.1, NM_001407752.1 and 29 more transcripts); c.3008G>C, p.Arg1003Thr (NM_001407853.1, NM_001407894.1, NM_001407895.1 and 9 more transcripts); and 41 more; short protein forms R1074T, R1027T, R1004T, R1026T, R1073T, R963T, R985T, R1033T.
Identifiers: ClinVar variation 185414 (VCV000185414.24), dbSNP rs786202155, ClinGen allele CA002088.

ClinVar aggregate classification (germline): Conflicting classifications of pathogenicity. Review status: criteria provided, conflicting classifications (1 of 4 stars). 7 submissions from 7 submitters: Uncertain significance (5); Likely benign (1). 1 of the submissions does not count toward it. Last evaluated 2026-02-01.

Conditions:
Hereditary breast ovarian cancer syndrome. Also called: Hereditary breast and ovarian cancer syndrome; Hereditary breast and ovarian cancer syndrome (HBOC); BRCA1- and BRCA2-Associated Hereditary Breast and Ovarian Cancer; Breast and ovarian cancer; Hereditary breast and ovarian cancer; Hereditary breast and/or ovarian cancer syndrome. Identifiers: Orphanet 145, MedGen C0677776, MeSH D061325, MONDO:0003582. Disease mechanism: loss of function.
Hereditary cancer-predisposing syndrome. Also called: Hereditary Cancer Syndrome; Hereditary neoplastic syndrome; Tumor predisposition; Neoplastic Syndromes, Hereditary. Identifiers: Orphanet 140162, MedGen C0027672, MeSH D009386, MONDO:0015356.
Breast-ovarian cancer, familial, susceptibility to, 1 (BROVCA1). Also called: OVARIAN CANCER, SUSCEPTIBILITY TO; BRCA1 Hereditary Breast and Ovarian Cancer. Identifiers: Orphanet 145, MedGen C2676676, MONDO:0011450, OMIM 604370. Disease mechanism: loss of function.

Allele frequency attached by ClinVar (database versions not stated): gnomAD 0.00001; gnomAD exomes 0.00001.
gnomAD v4.1: 9 of 1,613,754 alleles (0.00056%); highest among the groups gnomAD compares: Non-Finnish European, 0.00076%; no homozygotes.

Submissions (7):

Labcorp Genetics (formerly Invitae), Labcorp
Classification: Uncertain significance for Hereditary breast ovarian cancer syndrome. Last evaluated: 2026-02-01. Review status: criteria provided, single submitter. Criteria: Invitae Variant Classification Sherloc (09022015). Collection method: clinical testing. Allele origin: germline.
Comment: This sequence change replaces arginine, which is basic and polar, with threonine, which is neutral and polar, at codon 1074 of the BRCA1 protein (p.Arg1074Thr). This variant is present in population databases (rs786202155, gnomAD 0.007%). This missense change has been observed in individual(s) with breast cancer (PMID: 20104584). ClinVar contains an entry for this variant (Variation ID: 185414). Invitae Evidence Modeling of protein sequence and biophysical properties (such as structural, functional, and spatial information, amino acid conservation, physicochemical variation, residue mobility, and thermodynamic stability) indicates that this missense variant is expected to disrupt BRCA1 protein function with a positive predictive value of 80%. In summary, the available evidence is currently insufficient to determine the role of this variant in disease. Therefore, it has been classified as a Variant of Uncertain Significance.

Color Diagnostics, LLC DBA Color Health
Classification: Uncertain significance for Hereditary cancer-predisposing syndrome. Last evaluated: 2024-04-29. Review status: criteria provided, single submitter. Criteria: ACMG Guidelines, 2015. Collection method: clinical testing. Allele origin: germline.
Comment: This missense variant replaces arginine with threonine at codon 1074 of the BRCA1 protein. Computational prediction suggests that this variant may not impact protein structure and function. To our knowledge, functional studies have not been reported for this variant. This variant has been reported in an individual affected with breast cancer (PMID: 20104584). This variant has been identified in 1/31388 chromosomes in the general population by the Genome Aggregation Database (gnomAD). The available evidence is insufficient to determine the role of this variant in disease conclusively. Therefore, this variant is classified as a Variant of Uncertain Significance.

Ambry Genetics
Classification: Uncertain significance for Hereditary cancer-predisposing syndrome. Last evaluated: 2023-11-16. Review status: criteria provided, single submitter. Criteria: Ambry Variant Classification Scheme 2023. Collection method: clinical testing. Allele origin: germline.
Comment: The p.R1074T variant (also known as c.3221G>C), located in coding exon 9 of the BRCA1 gene, results from a G to C substitution at nucleotide position 3221. The arginine at codon 1074 is replaced by threonine, an amino acid with similar properties. This alteration was previously reported in 0/1398 unilateral breast cancer cases and 1/705 bilateral breast cancer cases in a population based study (Borg A et al. Hum. Mutat. 2010 Mar; 31(3):E1200-40; Capanu M et al. Genet. Epidemiol., 2011 Jul;35:389-97). This amino acid position is not well conserved in available vertebrate species. In addition, the in silico prediction for this alteration is inconclusive. Since supporting evidence is limited at this time, the clinical significance of this alteration remains unclear.

Women's Health and Genetics/Laboratory Corporation of America, LabCorp
Classification: Uncertain significance. Last evaluated: 2023-10-16. Review status: criteria provided, single submitter. Criteria: LabCorp Variant Classification Summary - May 2015. Collection method: clinical testing. Allele origin: germline.
Comment: Variant summary: BRCA1 c.3221G>C (p.Arg1074Thr) results in a non-conservative amino acid change in the encoded protein sequence. Four of five in-silico tools predict a benign effect of the variant on protein function. The variant was absent in 250402 control chromosomes (gnomAD). The available data on variant occurrences in the general population are insufficient to allow any conclusion about variant significance. c.3221G>C has been reported in the literature in individuals affected with Breast cancer (examples: Borg_2010 and Capanu_2011). These report(s) do not provide unequivocal conclusions about association of the variant with Hereditary Breast And Ovarian Cancer Syndrome. To our knowledge, no experimental evidence demonstrating an impact on protein function has been reported. The following publications have been ascertained in the context of this evaluation (PMID: 20104584, 21520273). Six submitters have cited clinical-significance assessments for this variant to ClinVar after 2014 and classified the variant as VUS(n=5) as well as likely benign (n=1). Based on the evidence outlined above, the variant was classified as uncertain significance.

University of Washington Department of Laboratory Medicine, University of Washington
Classification: Likely benign for Hereditary cancer-predisposing syndrome. Last evaluated: 2023-03-23. Review status: criteria provided, single submitter. Criteria: Dines et al. (Genet Med. 2020). Collection method: curation. Allele origin: germline.
Comment: Missense variant in a coldspot region where missense variants are very unlikely to be pathogenic (PMID:31911673).

BRCA1 coldspot (exon 11 using historical exon numbering). Reclassification based on statistical prior probability

GeneDx
Classification: Uncertain significance. Last evaluated: 2022-12-12. Review status: criteria provided, single submitter. Criteria: GeneDx Variant Classification Process June 2021. Collection method: clinical testing. Allele origin: germline. Affected: yes.
Comment: Observed in an individual with breast cancer (Borg et al., 2010); In silico analysis supports that this missense variant has a deleterious effect on protein structure/function; Not observed at significant frequency in large population cohorts (gnomAD); Also known as 3340G>C; This variant is associated with the following publications: (PMID: 15343273, 32377563, 29884841, 20104584, 21520273)

Counsyl
Classification: Uncertain significance for Breast-ovarian cancer, familial, susceptibility to, 1. Last evaluated: 2017-02-01. Review status: no assertion criteria provided. Collection method: clinical testing. Allele origin: unknown. Not counted in ClinVar's aggregate classification.

Literature cited by the submitters: PubMed 20104584 (cited by 5 submitters); PubMed 21520273 (cited by 3 submitters).